The following is an entry in ClinVar:

NM_005263.5(GFI1):c.869G>A (p.Gly290Asp)

Gene: GFI1 (growth factor independent 1 transcriptional repressor; minus strand). Cytogenetic location: 1p22.1.
Variant type: single nucleotide variant.
Coding change: c.869G>A on transcript NM_005263.5 (MANE Select); coding-DNA position 869, G replaced by A.
Protein change: p.Gly290Asp; replaces glycine 290 with aspartic acid.
Molecular consequence: missense variant.
Genome position (GRCh38, 1-based): chr1:92,480,403, C>T on the plus strand (G>A on the coding strand, the complement: GFI1 is on the minus strand). VCF-style: chr1-92480403-C-T. GRCh37 (hg19) VCF-style: chr1-92945960-C-T.
Other names: c.869G>A, p.Gly290Asp (NM_001127215.3, NM_001127216.3); short protein forms G290D.
Identifiers: ClinVar variation 2715462 (VCV002715462.3), dbSNP rs1237538001, ClinGen allele CA341148533.

ClinVar aggregate classification (germline): Uncertain significance (1 of 4 stars; one submission).

Conditions:
Neutropenia, severe congenital, 2, autosomal dominant. Identifiers: Orphanet 486, MedGen C2751288, MONDO:0013139, OMIM 613107.

Allele frequency attached by ClinVar (database versions not stated): gnomAD exomes below 0.00001.
gnomAD v4.1: 1 of 1,550,378 alleles (0.000065%); highest among the groups gnomAD compares: Non-Finnish European, 0.000087%; no homozygotes.

Submission:

Labcorp Genetics (formerly Invitae), Labcorp
Classification: Uncertain significance for Neutropenia, severe congenital, 2, autosomal dominant. Last evaluated: 2023-06-15. Review status: criteria provided, single submitter. Criteria: Invitae Variant Classification Sherloc (09022015). Collection method: clinical testing. Allele origin: germline.
Comment: Advanced modeling of protein sequence and biophysical properties (such as structural, functional, and spatial information, amino acid conservation, physicochemical variation, residue mobility, and thermodynamic stability) performed at Invitae indicates that this missense variant is not expected to disrupt GFI1 protein function. In summary, the available evidence is currently insufficient to determine the role of this variant in disease. Therefore, it has been classified as a Variant of Uncertain Significance. This variant has not been reported in the literature in individuals affected with GFI1-related conditions. This variant is not present in population databases (gnomAD no frequency). This sequence change replaces glycine, which is neutral and non-polar, with aspartic acid, which is acidic and polar, at codon 290 of the GFI1 protein (p.Gly290Asp).